The following is an entry in ClinVar:

ClinVar aggregate classification (germline): Uncertain significance (1 of 4 stars; one submission).

Allele frequency attached by ClinVar (database versions not stated): ExAC 0.00001; TOPMed 0.00002; gnomAD 0.00003.

Submission:

Labcorp Genetics (formerly Invitae), Labcorp
Classification: Uncertain significance. Last evaluated: 2023-05-19. Review status: criteria provided, single submitter. Criteria: Invitae Variant Classification Sherloc (09022015). Collection method: clinical testing. Allele origin: germline.
Comment: In summary, the available evidence is currently insufficient to determine the role of this variant in disease. Therefore, it has been classified as a Variant of Uncertain Significance. Algorithms developed to predict the effect of missense changes on protein structure and function output the following: SIFT: "Not Available"; PolyPhen-2: "Benign"; Align-GVGD: "Not Available". The asparagine amino acid residue is found in multiple mammalian species, which suggests that this missense change does not adversely affect protein function. ClinVar contains an entry for this variant (Variation ID: 1949572). This variant has not been reported in the literature in individuals affected with ASXL1-related conditions. This variant is present in population databases (rs773277713, gnomAD 0.008%). This sequence change replaces serine, which is neutral and polar, with asparagine, which is neutral and polar, at codon 973 of the ASXL1 protein (p.Ser973Asn).

NM_015338.6(ASXL1):c.2918G>A (p.Ser973Asn)

Gene: ASXL1 (ASXL transcriptional regulator 1; plus strand). Cytogenetic location: 20q11.21.
Variant type: single nucleotide variant.
Coding change: c.2918G>A on transcript NM_015338.6 (MANE Select); coding-DNA position 2918, G replaced by A.
Protein change: p.Ser973Asn; replaces serine 973 with asparagine.
Molecular consequence: missense variant.
Genome position (GRCh38, 1-based): chr20:32,435,630, G>A. VCF-style: chr20-32435630-G-A. GRCh37 (hg19) VCF-style: chr20-31023433-G-A.
Other names: c.2735G>A, p.Ser912Asn (NM_001363734.1); short protein forms S912N, S973N.
Identifiers: ClinVar variation 1949572 (VCV001949572.5), dbSNP rs773277713, ClinGen allele CA9808720.